The following is an entry in ClinVar:

NM_002180.3(IGHMBP2):c.754G>A (p.Val252Met)

Gene: IGHMBP2 (immunoglobulin mu DNA binding protein 2; plus strand). Cytogenetic location: 11q13.3.
Variant type: single nucleotide variant.
Coding change: c.754G>A on transcript NM_002180.3 (MANE Select); coding-DNA position 754, G replaced by A.
Protein change: p.Val252Met; replaces valine 252 with methionine.
Molecular consequence: missense variant.
Genome position (GRCh38, 1-based): chr11:68,914,865, G>A. VCF-style: chr11-68914865-G-A. GRCh37 (hg19) VCF-style: chr11-68682333-G-A.
Other names: short protein forms V252M.
Identifiers: ClinVar variation 967894 (VCV000967894.9), dbSNP rs1284064613, ClinGen allele CA381644300.

ClinVar aggregate classification (germline): Uncertain significance (1 of 4 stars; one submission).

Conditions:
Autosomal recessive distal spinal muscular atrophy 1. Also called: SEVERE INFANTILE AXONAL NEUROPATHY WITH RESPIRATORY FAILURE; SPINAL MUSCULAR ATROPHY, DIAPHRAGMATIC; Spinal muscular atrophy with respiratory distress 1; NEURONOPATHY, DISTAL HEREDITARY MOTOR, HARDING TYPE VI; NEUROPATHY, DISTAL HEREDITARY MOTOR, AUTOSOMAL RECESSIVE 1; HMN VI. Identifiers: Orphanet 98920, MedGen C1858517, MONDO:0011436, OMIM 604320.
Charcot-Marie-Tooth disease axonal type 2S. Also called: CHARCOT-MARIE-TOOTH DISEASE, AXONAL, AUTOSOMAL RECESSIVE, TYPE 2S; CHARCOT-MARIE-TOOTH NEUROPATHY, TYPE 2S. Identifiers: Orphanet 443073, MedGen C4015349, MONDO:0014511, OMIM 616155.

Allele frequency attached by ClinVar (database versions not stated): gnomAD exomes below 0.00001 and 0.00001.
gnomAD v4.1: 16 of 1,614,250 alleles (0.00099%); highest among the groups gnomAD compares: Non-Finnish European, 0.0014%; no homozygotes.

Submission:

Labcorp Genetics (formerly Invitae), Labcorp
Classification: Uncertain significance for Autosomal recessive distal spinal muscular atrophy 1; Charcot-Marie-Tooth disease axonal type 2S. Last evaluated: 2021-02-24. Review status: criteria provided, single submitter. Criteria: Invitae Variant Classification Sherloc (09022015). Collection method: clinical testing. Allele origin: germline.
Comment: This sequence change replaces valine with methionine at codon 252 of the IGHMBP2 protein (p.Val252Met). The valine residue is moderately conserved and there is a small physicochemical difference between valine and methionine. This variant is not present in population databases (ExAC no frequency). This variant has not been reported in the literature in individuals with IGHMBP2-related conditions. Algorithms developed to predict the effect of missense changes on protein structure and function are either unavailable or do not agree on the potential impact of this missense change (SIFT: "Tolerated"; PolyPhen-2: "Probably Damaging"; Align-GVGD: "Class C0"). In summary, the available evidence is currently insufficient to determine the role of this variant in disease. Therefore, it has been classified as a Variant of Uncertain Significance.